The following continues an entry in ClinVar:

NM_014625.4(NPHS2):c.855_856del (p.Arg286fs)

ClinVar aggregate classification (germline): Pathogenic/Likely pathogenic. Pathogenic (13); Likely pathogenic (3).

Submissions 15 to 20 of 20:

Women's Health and Genetics/Laboratory Corporation of America, LabCorp
Classification: Pathogenic for Idiopathic nephrotic syndrome. Last evaluated: 2018-10-01. Review status: criteria provided, single submitter. Criteria: LabCorp Variant Classification Summary - May 2015. Collection method: clinical testing. Allele origin: germline.
Comment: Variant summary: NPHS2 c.855_856delAA (p.Arg286ThrfsX17) results in a premature termination codon, predicted to cause a truncation of the encoded protein or absence of the protein due to nonsense mediated decay, which are commonly known mechanisms for disease. The variant allele was found at a frequency of 6.5e-05 in 275798 control chromosomes. This frequency is not significantly higher than expected for a pathogenic variant in NPHS2 causing Nephrotic Syndrome, Type 2 (6.5e-05 vs 0.0018), allowing no conclusion about variant significance. c.855_856delAA has been reported in the literature in multiple individuals affected with Steroid Resistant Nephrotic Syndrome. These data indicate that the variant is very likely to be associated with disease. No clinical diagnostic laboratories have submitted clinical-significance assessments for this variant to ClinVar after 2014. Based on the evidence outlined above, the variant was classified as pathogenic.

Eurofins Ntd Llc (ga)
Classification: Pathogenic. Last evaluated: 2017-12-01. Review status: criteria provided, single submitter. Criteria: EGL Classification Definitions 2015. Collection method: clinical testing. Allele origin: germline. Observed: 1 variant allele, 1 heterozygote.

PreventionGenetics, part of Exact Sciences
Classification: Pathogenic for NPHS2-related condition. Last evaluated: 2024-06-20. Review status: no assertion criteria provided. Collection method: clinical testing. Allele origin: germline. Not counted in ClinVar's aggregate classification.
Comment: The NPHS2 c.855_856delAA variant is predicted to result in a frameshift and premature protein termination (p.Arg286Thrfs*17). Also known as Q285fsX302 or R285fx302X, this variant has been reported to be pathogenic for steroid-resistant nephrotic syndrome (SRNS) (Boute et al. 2000. PubMed ID: 10742096; Machuca et al. 2009. PubMed ID: 19145239; Santín et al. 2011. PubMed ID: 20947785). This variant is reported in 0.016% of alleles in individuals of European (non-Finnish) descent in gnomAD. Frameshift variants in NPHS2 are expected to be pathogenic. This variant is interpreted as pathogenic.

Yale Center for Mendelian Genomics, Yale University
Classification: Pathogenic for Focal segmental glomerulosclerosis. Last evaluated: 2019-01-17. Review status: no assertion criteria provided. Collection method: literature only. Allele origin: germline. Affected: yes. Observed: 1 homozygote. Study: Yale Center for Mendelian Genomics. Not counted in ClinVar's aggregate classification.

OMIM
Classification: Pathogenic for NEPHROTIC SYNDROME, TYPE 2. Last evaluated: 2000-04-01. Review status: no assertion criteria provided. Collection method: literature only. Allele origin: germline. Not counted in ClinVar's aggregate classification.

NIHR Bioresource Rare Diseases, University of Cambridge
Classification: Pathogenic for Nephrotic range proteinuria. Review status: no assertion criteria provided. Collection method: research. Allele origin: unknown. Affected: yes. Observed: 1 variant allele. Not counted in ClinVar's aggregate classification.

Literature cited by the submitters: PubMed 18823551 (cited by 4 submitters); PubMed 20947785 (cited by 3 submitters); PubMed 21355056 (cited by Dasa and Labcorp Genetics (formerly Invitae), Labcorp); PubMed 24509478 (cited by Dasa and Labcorp Genetics (formerly Invitae), Labcorp); PubMed 11805166 (cited by Labcorp Genetics (formerly Invitae), Labcorp and Myriad Genetics, Inc.); PubMed 20507940 (cited by Natera, Inc.); PubMed 29127259 (cited by Natera, Inc.); PubMed 19406966 (cited by Myriad Genetics, Inc.); PubMed 24742477 (cited by Myriad Genetics, Inc.); PubMed 15327385 (cited by Myriad Genetics, Inc.); PubMed 15253708 (cited by Women's Health and Genetics/Laboratory Corporation of America, LabCorp); PubMed 30655312 (cited by Yale Center for Mendelian Genomics, Yale University); PubMed 8589695 (cited by OMIM); PubMed 10742096 (cited by OMIM); PubMed 32581362 (cited by NIHR Bioresource Rare Diseases, University of Cambridge).